The following is an entry in ClinVar:

ClinVar aggregate classification (germline): Uncertain significance. Review status: criteria provided, multiple submitters, no conflicts (2 of 4 stars). 2 submissions from 2 submitters: Uncertain significance (2). Last evaluated 2023-05-16.

Conditions:
Cardiovascular phenotype. Identifiers: MedGen CN230736.
Walker-Warburg congenital muscular dystrophy. Also called: Muscular dystrophy-dystroglycanopathy, type A; Walker-Warburg syndrome. Identifiers: Orphanet 899, MedGen C0265221, MONDO:0000171.

Allele frequency attached by ClinVar (database versions not stated): gnomAD exomes below 0.00001.

Submissions (2):

Ambry Genetics
Classification: Uncertain significance for Cardiovascular phenotype. Last evaluated: 2023-05-16. Review status: criteria provided, single submitter. Criteria: Ambry Variant Classification Scheme 2023. Collection method: clinical testing. Allele origin: germline.
Comment: The p.R216K variant (also known as c.647G>A), located in coding exon 4 of the FKTN gene, results from a G to A substitution at nucleotide position 647. The arginine at codon 216 is replaced by lysine, an amino acid with highly similar properties. However, this change occurs in the last base pair of coding exon 4 and may have some effect on normal mRNA splicing. This nucleotide position is well conserved in available vertebrate species. In silico splice site analysis predicts that this alteration will not have any significant effect on splicing. This amino acid position is well conserved in available vertebrate species. In addition, as a missense substitution this alteration is predicted to be tolerated by in silico analysis. Since supporting evidence is limited at this time, the clinical significance of this alteration remains unclear.

Labcorp Genetics (formerly Invitae), Labcorp
Classification: Uncertain significance for Walker-Warburg congenital muscular dystrophy. Last evaluated: 2021-10-08. Review status: criteria provided, single submitter. Criteria: Invitae Variant Classification Sherloc (09022015). Collection method: clinical testing. Allele origin: germline.
Comment: In summary, the available evidence is currently insufficient to determine the role of this variant in disease. Therefore, it has been classified as a Variant of Uncertain Significance. Nucleotide substitutions within the consensus splice site are a relatively common cause of aberrant splicing (PMID: 17576681, 9536098). Algorithms developed to predict the effect of sequence changes on RNA splicing suggest that this variant is not likely to affect RNA splicing. Algorithms developed to predict the effect of missense changes on protein structure and function (SIFT, PolyPhen-2, Align-GVGD) all suggest that this variant is likely to be tolerated. This variant has not been reported in the literature in individuals affected with FKTN-related conditions. This variant is not present in population databases (ExAC no frequency). This sequence change replaces arginine with lysine at codon 216 of the FKTN protein (p.Arg216Lys). The arginine residue is moderately conserved and there is a small physicochemical difference between arginine and lysine. This variant also falls at the last nucleotide of exon 6, which is part of the consensus splice site for this exon.

Literature cited by the submitters: PubMed 17576681 (cited by Labcorp Genetics (formerly Invitae), Labcorp); PubMed 9536098 (cited by Labcorp Genetics (formerly Invitae), Labcorp).

NM_001079802.2(FKTN):c.647G>A (p.Arg216Lys)

Gene: FKTN (fukutin; plus strand). Cytogenetic location: 9q31.2.
Variant type: single nucleotide variant.
Coding change: c.647G>A on transcript NM_001079802.2 (MANE Select); coding-DNA position 647, G replaced by A.
Protein change: p.Arg216Lys; replaces arginine 216 with lysine.
Molecular consequence: missense variant. On other transcripts: non-coding transcript variant (2).
Genome position (GRCh38, 1-based): chr9:105,604,492, G>A. VCF-style: chr9-105604492-G-A. GRCh37 (hg19) VCF-style: chr9-108366773-G-A.
Other names: c.647G>A, p.Arg216Lys (NM_001198963.2, NM_001351496.2, NM_001351498.2 and 1 more transcripts); c.578G>A, p.Arg193Lys (NM_001351497.2); c.251G>A, p.Arg84Lys (NM_001351499.2, NM_001351500.2, NM_001351501.2 and 1 more transcripts); short protein forms R193K, R216K, R84K.
Identifiers: ClinVar variation 955357 (VCV000955357.9), dbSNP rs1828504500, ClinGen allele CA374332443.